The following is an entry in ClinVar:

NM_001127464.1:c.9514C>T

Gene: ZNF469 (zinc finger protein 469; plus strand).
Variant type: single nucleotide variant.
Identifiers: ClinVar variation 4824400 (VCV004824400.1).

ClinVar aggregate classification (germline): Uncertain significance (1 of 4 stars; one submission).

Conditions:
Cardiovascular phenotype. Identifiers: MedGen CN230736.

Submission:

Ambry Genetics
Classification: Uncertain significance for Cardiovascular phenotype. Last evaluated: 2026-01-06. Review status: criteria provided, single submitter. Criteria: Ambry Variant Classification Scheme 2023. Collection method: clinical testing. Allele origin: germline.
Comment: The p.R3172C variant (also known as c.9514C>T), located in coding exon 2 of the ZNF469 gene, results from a C to T substitution at nucleotide position 9514. The arginine at codon 3172 is replaced by cysteine, an amino acid with highly dissimilar properties. This amino acid position is conserved. In addition, this alteration is predicted to be tolerated by in silico analysis. Based on the available evidence, the clinical significance of this variant remains unclear.